The following is an entry in ClinVar:

ClinVar aggregate classification (germline): Likely benign. Review status: criteria provided, multiple submitters, no conflicts (2 of 4 stars). 3 submissions from 3 submitters: Likely benign (3). Last evaluated 2025-03-25.

Conditions:
Inborn genetic diseases. Identifiers: MedGen C0950123, MeSH D030342.

Allele frequency attached by ClinVar (database versions not stated): ExAC 0.00001; gnomAD 0.00001; TOPMed 0.00001; gnomAD exomes 0.00002.
gnomAD v4.1: 24 of 1,614,042 alleles (0.0015%); highest among the groups gnomAD compares: East Asian, 0.013%; no homozygotes.

Submissions (3):

Labcorp Genetics (formerly Invitae), Labcorp
Classification: Likely benign. Last evaluated: 2025-03-25. Review status: criteria provided, single submitter. Criteria: Invitae Variant Classification Sherloc (09022015). Collection method: clinical testing. Allele origin: germline.

CeGaT Center for Human Genetics Tuebingen
Classification: Likely benign. Last evaluated: 2025-03-01. Review status: criteria provided, single submitter. Criteria: CeGaT Center For Human Genetics Tuebingen Variant Classification Criteria Version 2. Collection method: clinical testing. Allele origin: germline. Affected: yes. Observed: 1 variant allele.
Comment: ERCC2: BP4, BP7

Ambry Genetics
Classification: Likely benign for Inborn genetic diseases. Last evaluated: 2022-02-21. Review status: criteria provided, single submitter. Criteria: Ambry Variant Classification Scheme 2023. Collection method: clinical testing. Allele origin: germline.

NM_000400.4(ERCC2):c.1425C>T (p.Pro475=)

Gene: ERCC2 (ERCC excision repair 2, TFIIH core complex helicase subunit; minus strand). Cytogenetic location: 19q13.32.
Variant type: single nucleotide variant.
Coding change: c.1425C>T on transcript NM_000400.4 (MANE Select); coding-DNA position 1425, C replaced by T.
Protein change: p.Pro475=; no amino-acid change (proline 475 retained).
Molecular consequence: synonymous variant.
Genome position (GRCh38, 1-based): chr19:45,357,324, G>A on the plus strand (C>T on the coding strand, the complement: ERCC2 is on the minus strand). VCF-style: chr19-45357324-G-A. GRCh37 (hg19) VCF-style: chr19-45860582-G-A.
Identifiers: ClinVar variation 1772356 (VCV001772356.14), dbSNP rs771709771, ClinGen allele CA9513297.